The following is an entry in ClinVar:

ClinVar aggregate classification (germline): Uncertain significance. Review status: criteria provided, multiple submitters, no conflicts (2 of 4 stars). 2 submissions from 2 submitters: Uncertain significance (2). Last evaluated 2023-10-06.

Conditions:
Catecholaminergic polymorphic ventricular tachycardia (CVPT). Also called: Catecholamine-induced polymorphic ventricular tachycardia. Identifiers: Orphanet 3286, MedGen C5574922, MONDO:0017990.
Catecholaminergic polymorphic ventricular tachycardia 1. Also called: VENTRICULAR TACHYCARDIA, CATECHOLAMINERGIC POLYMORPHIC, 1, WITH OR WITHOUT ATRIAL DYSFUNCTION AND/OR DILATED CARDIOMYOPATHY; RYR2-Related Catecholaminergic Polymorphic Ventricular Tachycardia; VENTRICULAR TACHYCARDIA, STRESS-INDUCED POLYMORPHIC 1. Identifiers: Orphanet 3286, MedGen C1631597, MONDO:0011484, OMIM 604772.

gnomAD v4.1: 2 of 1,601,068 alleles (0.00012%); highest among the groups gnomAD compares: Non-Finnish European, 0.000085%; no homozygotes.

Submissions (2):

All of Us Research Program, National Institutes of Health
Classification: Uncertain significance for Catecholaminergic polymorphic ventricular tachycardia. Last evaluated: 2023-10-06. Review status: criteria provided, single submitter. Criteria: ACMG Guidelines, 2015. Collection method: clinical testing. Allele origin: germline. Inheritance: Autosomal dominant inheritance. Observed: 1 variant allele, 1 heterozygote.
Comment: This variant causes an A to G nucleotide substitution at the +6 position of intron 67 of the RYR2 gene. To our knowledge, functional studies have not been reported for this variant. This variant has not been reported in individuals affected with RYR2-related disorders in the literature. This variant has not been identified in the general population by the Genome Aggregation Database (gnomAD). The available evidence is insufficient to determine the role of this variant in disease conclusively. Therefore, this variant is classified as a Variant of Uncertain Significance.

This study involves interpretation of variants in research participants for the purpose of population health screening. Participant phenotype was not available at the time of variant classification. Additional details can be found in publication PMID: 35346344, PMCID: PMC8962531

Labcorp Genetics (formerly Invitae), Labcorp
Classification: Uncertain significance for Catecholaminergic polymorphic ventricular tachycardia 1. Last evaluated: 2022-03-11. Review status: criteria provided, single submitter. Criteria: Invitae Variant Classification Sherloc (09022015). Collection method: clinical testing. Allele origin: germline.
Comment: In summary, the available evidence is currently insufficient to determine the role of this variant in disease. Therefore, it has been classified as a Variant of Uncertain Significance. Variants that disrupt the consensus splice site are a relatively common cause of aberrant splicing (PMID: 17576681, 9536098). Algorithms developed to predict the effect of sequence changes on RNA splicing suggest that this variant is not likely to affect RNA splicing. This variant has not been reported in the literature in individuals affected with RYR2-related conditions. This variant is not present in population databases (gnomAD no frequency). This sequence change falls in intron 67 of the RYR2 gene. It does not directly change the encoded amino acid sequence of the RYR2 protein. It affects a nucleotide within the consensus splice site.

Literature cited by the submitters: PubMed 17576681 (cited by Labcorp Genetics (formerly Invitae), Labcorp); PubMed 9536098 (cited by Labcorp Genetics (formerly Invitae), Labcorp).

NM_001035.3(RYR2):c.9580+6A>G

Gene: RYR2 (ryanodine receptor 2; plus strand). Cytogenetic location: 1q43.
Variant type: single nucleotide variant.
Coding change: c.9580+6A>G on transcript NM_001035.3 (MANE Select); 6 bases into the intron after coding-DNA position 9580, A replaced by G.
Molecular consequence: intron variant.
Genome position (GRCh38, 1-based): chr1:237,705,349, A>G. VCF-style: chr1-237705349-A-G. GRCh37 (hg19) VCF-style: chr1-237868649-A-G.
Identifiers: ClinVar variation 1989246 (VCV001989246.5), dbSNP rs2149050610, ClinGen allele CA2574471280.